The following is an entry in ClinVar:

NM_001371904.1(APOA5):c.518T>C (p.Leu173Pro)

Gene: APOA5 (apolipoprotein A5; minus strand). Cytogenetic location: 11q23.3.
Variant type: single nucleotide variant.
Coding change: c.518T>C on transcript NM_001371904.1 (MANE Select); coding-DNA position 518, T replaced by C.
Protein change: p.Leu173Pro; replaces leucine 173 with proline.
Molecular consequence: missense variant.
Genome position (GRCh38, 1-based): chr11:116,790,711, A>G on the plus strand (T>C on the coding strand, the complement: APOA5 is on the minus strand). VCF-style: chr11-116790711-A-G. GRCh37 (hg19) VCF-style: chr11-116661427-A-G.
Other names: c.518T>C, p.Leu173Pro (NM_001166598.2, NM_052968.5); short protein forms L173P.
Identifiers: ClinVar variation 2137253 (VCV002137253.6), dbSNP rs781745888, ClinGen allele CA6289064.

ClinVar aggregate classification (germline): Uncertain significance. Review status: criteria provided, multiple submitters, no conflicts (2 of 4 stars). 2 submissions from 2 submitters: Uncertain significance (2). Last evaluated 2026-04-01.

Allele frequency attached by ClinVar (database versions not stated): ExAC 0.00001; gnomAD 0.00001; TOPMed 0.00001.

Submissions (2):

CeGaT Center for Human Genetics Tuebingen
Classification: Uncertain significance. Last evaluated: 2026-04-01. Review status: criteria provided, single submitter. Criteria: CeGaT Center For Human Genetics Tuebingen Variant Classification Criteria Version 2. Collection method: clinical testing. Allele origin: germline. Affected: yes. Observed: 1 variant allele.
Comment: APOA5: PM2:Supporting, PS4:Supporting, BP4

Labcorp Genetics (formerly Invitae), Labcorp
Classification: Uncertain significance. Last evaluated: 2024-02-08. Review status: criteria provided, single submitter. Criteria: Invitae Variant Classification Sherloc (09022015). Collection method: clinical testing. Allele origin: germline.
Comment: This sequence change replaces leucine, which is neutral and non-polar, with proline, which is neutral and non-polar, at codon 173 of the APOA5 protein (p.Leu173Pro). This variant is present in population databases (rs781745888, gnomAD 0.002%). This missense change has been observed in individual(s) with hypertriglyceridemia (PMID: 27108409). ClinVar contains an entry for this variant (Variation ID: 2137253). An algorithm developed to predict the effect of missense changes on protein structure and function (PolyPhen-2) suggests that this variant is likely to be disruptive. In summary, the available evidence is currently insufficient to determine the role of this variant in disease. Therefore, it has been classified as a Variant of Uncertain Significance.

Literature cited by the submitters: PubMed 27108409 (cited by Labcorp Genetics (formerly Invitae), Labcorp).